The following is an entry in ClinVar:

ClinVar aggregate classification (germline): Benign. Review status: criteria provided, multiple submitters, no conflicts (2 of 4 stars). 2 submissions from 2 submitters: Benign (2). Last evaluated 2018-06-16.

Allele frequency attached by ClinVar (database versions not stated): gnomAD exomes 0.01462; gnomAD 0.07539 and 0.07996; 1000 Genomes Project 0.08344; TOPMed 0.08683; 1000 Genomes Project 30x 0.08845.
gnomAD v4.1: 18,376 of 762,611 alleles (2.4%); highest among the groups gnomAD compares: African/African-American, 25%; 1,207 homozygotes.

Submissions (2):

GeneDx
Classification: Benign. Last evaluated: 2018-06-16. Review status: criteria provided, single submitter. Criteria: GeneDx Variant Classification (06012015). Collection method: clinical testing. Allele origin: germline. Affected: yes.
Comment: This variant is considered likely benign or benign based on one or more of the following criteria: it is a conservative change, it occurs at a poorly conserved position in the protein, it is predicted to be benign by multiple in silico algorithms, and/or has population frequency not consistent with disease.

Breakthrough Genomics
Classification: Benign. Review status: criteria provided, single submitter. Criteria: ACMG Guidelines, 2015. Collection method: not provided. Allele origin: germline. Inheritance: X-linked inheritance. Affected: yes.

NM_004006.3(DMD):c.10798-110A>C

Gene: DMD (dystrophin; minus strand). Cytogenetic location: Xp21.2.
Variant type: single nucleotide variant.
Coding change: c.10798-110A>C on transcript NM_004006.3 (MANE Select); 110 bases into the intron before coding-DNA position 10798, A replaced by C.
Molecular consequence: intron variant.
Genome position (GRCh38, 1-based): chrX:31,146,524, T>G on the plus strand (A>C on the coding strand, the complement: DMD is on the minus strand). VCF-style: chrX-31146524-T-G. GRCh37 (hg19) VCF-style: chrX-31164641-T-G.
Other names: c.10774-110A>C (NM_000109.4); c.6775-110A>C (NM_004011.4); c.6766-110A>C (NM_004012.4); c.3088-110A>C (NM_004023.3, NM_004020.4); c.3379-110A>C (NM_004022.3); c.3418-110A>C (NM_004021.3, NM_004013.3); c.2611-110A>C (NM_004014.3); c.1555-110A>C (NM_004018.3, NM_004017.3); and 3 more.
Identifiers: ClinVar variation 675357 (VCV000675357.2), dbSNP rs59170794, ClinGen allele CA328402779.